The following is an entry in ClinVar:

NM_134261.3(RORA):c.196+51412G>T

Genes: RORA (RAR related orphan receptor A; minus strand), RORA-AS1 (RORA antisense RNA 1; plus strand). Cytogenetic location: 15q22.2.
Variant type: single nucleotide variant.
Coding change: c.196+51412G>T on transcript NM_134261.3 (MANE Select); 51412 bases into the intron after coding-DNA position 196, G replaced by T.
Molecular consequence: intron variant. On other transcripts: missense variant (2).
Genome position (GRCh38, 1-based): chr15:60,627,245, C>A on the plus strand (G>T on the coding strand, the complement: RORA is on the minus strand). VCF-style: chr15-60627245-C-A. GRCh37 (hg19) VCF-style: chr15-60919444-C-A.
Other names: c.130G>T, p.Ala44Ser (NM_002943.4, NM_134260.3); short protein forms A44S.
Identifiers: ClinVar variation 2232668 (VCV002232668.20), dbSNP rs201735416, ClinGen allele CA7593937.

ClinVar aggregate classification (germline): Conflicting classifications of pathogenicity. Review status: criteria provided, conflicting classifications (1 of 4 stars). 3 submissions from 3 submitters: Uncertain significance (1); Likely benign (2). Last evaluated 2024-11-01.

Conditions:
Inborn genetic diseases. Identifiers: MedGen C0950123, MeSH D030342.

Allele frequency attached by ClinVar (database versions not stated): gnomAD 0.00005; TOPMed 0.00007; ESP Exome Variant Server 0.00008; ExAC 0.00011.
gnomAD v4.1: 91 of 1,614,056 alleles (0.0056%); highest among the groups gnomAD compares: Middle Eastern, 0.049%; 1 homozygote.

Submissions (3):

CeGaT Center for Human Genetics Tuebingen
Classification: Likely benign. Last evaluated: 2024-11-01. Review status: criteria provided, single submitter. Criteria: CeGaT Center For Human Genetics Tuebingen Variant Classification Criteria Version 2. Collection method: clinical testing. Allele origin: germline. Affected: yes. Observed: 2 variant alleles.
Comment: RORA: BP4, BS1

Blueprint Genetics
Classification: Likely benign. Last evaluated: 2024-06-10. Review status: criteria provided, single submitter. Criteria: ACMG Guidelines, 2015. Collection method: clinical testing. Allele origin: germline.

Ambry Genetics
Classification: Uncertain significance for Inborn genetic diseases. Last evaluated: 2021-09-16. Review status: criteria provided, single submitter. Criteria: Ambry Variant Classification Scheme 2023. Collection method: clinical testing. Allele origin: germline.